The following is an entry in ClinVar:

ClinVar aggregate classification (germline): Likely benign. Review status: criteria provided, multiple submitters, no conflicts (2 of 4 stars). 3 submissions from 3 submitters: Likely benign (3). Last evaluated 2025-12-15.

Allele frequency attached by ClinVar (database versions not stated): gnomAD exomes 0.00005 and 0.00013; ExAC 0.00020; gnomAD 0.00037 and 0.00038; TOPMed 0.00039; 1000 Genomes Project 30x 0.00047; ESP Exome Variant Server 0.00054; 1000 Genomes Project 0.00060.
gnomAD v4.1: 139 of 1,611,128 alleles (0.0086%); highest among the groups gnomAD compares: African/African-American, 0.11%; no homozygotes.

Submissions (3):

Labcorp Genetics (formerly Invitae), Labcorp
Classification: Likely benign. Last evaluated: 2025-12-15. Review status: criteria provided, single submitter. Criteria: Invitae Variant Classification Sherloc (09022015). Collection method: clinical testing. Allele origin: germline.

CeGaT Center for Human Genetics Tuebingen
Classification: Likely benign. Last evaluated: 2024-10-01. Review status: criteria provided, single submitter. Criteria: CeGaT Center For Human Genetics Tuebingen Variant Classification Criteria Version 2. Collection method: clinical testing. Allele origin: germline. Affected: yes. Observed: 1 variant allele.
Comment: DMXL2: BP4, BP7

Blueprint Genetics
Classification: Likely benign. Last evaluated: 2023-03-24. Review status: criteria provided, single submitter. Criteria: ACMG Guidelines, 2015. Collection method: clinical testing. Allele origin: germline.

NM_001378457.1(DMXL2):c.6930C>T (p.His2310=)

Gene: DMXL2 (Dmx like 2; minus strand). Cytogenetic location: 15q21.2.
Variant type: single nucleotide variant.
Coding change: c.6930C>T on transcript NM_001378457.1 (MANE Select); coding-DNA position 6930, C replaced by T.
Protein change: p.His2310=; no amino-acid change (histidine 2310 retained).
Molecular consequence: synonymous variant. On other transcripts: non-coding transcript variant (2).
Genome position (GRCh38, 1-based): chr15:51,476,623, G>A on the plus strand (C>T on the coding strand, the complement: DMXL2 is on the minus strand). VCF-style: chr15-51476623-G-A. GRCh37 (hg19) VCF-style: chr15-51768820-G-A.
Other names: c.6930C>T, p.His2310= (NM_001174116.3, NM_001378459.1, NM_001378461.1 and 1 more transcripts); c.5019C>T, p.His1673= (NM_001174117.3); c.6927C>T, p.His2309= (NM_001378458.1, NM_001378462.1, NM_015263.5); c.4908C>T, p.His1636= (NM_001378460.1); c.6687C>T, p.His2229= (NM_001378464.1).
Identifiers: ClinVar variation 1596475 (VCV001596475.23), dbSNP rs138901067, ClinGen allele CA7561513.